The following is an entry in ClinVar:

NM_033118.4(MYLK2):c.508G>A (p.Glu170Lys)

Gene: MYLK2 (myosin light chain kinase 2; plus strand). Cytogenetic location: 20q11.21.
Variant type: single nucleotide variant.
Coding change: c.508G>A on transcript NM_033118.4 (MANE Select); coding-DNA position 508, G replaced by A.
Protein change: p.Glu170Lys; replaces glutamic acid 170 with lysine.
Molecular consequence: missense variant.
Genome position (GRCh38, 1-based): chr20:31,821,473, G>A. VCF-style: chr20-31821473-G-A. GRCh37 (hg19) VCF-style: chr20-30409276-G-A.
Other names: p.E170K:GAG>AAG; short protein forms E170K.
Identifiers: ClinVar variation 178088 (VCV000178088.28), dbSNP rs145656924, ClinGen allele CA181371.

ClinVar aggregate classification (germline): Benign/Likely benign. Review status: criteria provided, multiple submitters, no conflicts (2 of 4 stars). 9 submissions from 9 submitters: Benign (2); Likely benign (5). 2 of the submissions do not count toward it. Last evaluated 2026-01-28.

Conditions:
Cardiomyopathy (CMYO). Also called: Cardiomyopathies. Identifiers: Orphanet 167848, MedGen C0878544, MONDO:0004994, HP:0001638. Inheritance: Various modes of inheritance.
Hypertrophic cardiomyopathy 1 (CMH1). Also called: Familial hypertrophic cardiomyopathy 1; MYH7-Related Familial Hypertrophic Cardiomyopathy. Identifiers: MedGen C3495498, MONDO:0008647, OMIM 192600.

Allele frequency attached by ClinVar (database versions not stated): gnomAD exomes 0.00014 and 0.00040; ExAC 0.00061; gnomAD 0.00161 and 0.00175; TOPMed 0.00179; 1000 Genomes Project 0.00180; 1000 Genomes Project 30x 0.00187; ESP Exome Variant Server 0.00208.
gnomAD v4.1: 462 of 1,613,834 alleles (0.029%); highest among the groups gnomAD compares: African/African-American, 0.54%; 3 homozygotes.

Submissions (9):

Labcorp Genetics (formerly Invitae), Labcorp
Classification: Benign for Hypertrophic cardiomyopathy 1. Last evaluated: 2026-01-28. Review status: criteria provided, single submitter. Criteria: Invitae Variant Classification Sherloc (09022015). Collection method: clinical testing. Allele origin: germline.

Women's Health and Genetics/Laboratory Corporation of America, LabCorp
Classification: Likely benign. Last evaluated: 2022-08-15. Review status: criteria provided, single submitter. Criteria: LabCorp Variant Classification Summary - May 2015. Collection method: clinical testing. Allele origin: germline.

ARUP Laboratories, Molecular Genetics and Genomics, ARUP Laboratories
Classification: Likely benign for Hypertrophic cardiomyopathy 1. Last evaluated: 2021-01-20. Review status: criteria provided, single submitter. Criteria: ARUP Molecular Germline Variant Investigation Process 2021. Collection method: clinical testing. Allele origin: germline.

GeneDx
Classification: Likely benign. Last evaluated: 2020-03-13. Review status: criteria provided, single submitter. Criteria: GeneDx Variant Classification Process June 2021. Collection method: clinical testing. Allele origin: germline. Affected: yes.

CHEO Genetics Diagnostic Laboratory, Children's Hospital of Eastern Ontario
Classification: Benign for Cardiomyopathy. Last evaluated: 2017-11-09. Review status: criteria provided, single submitter. Criteria: ACMG Guidelines, 2015. Collection method: clinical testing. Allele origin: germline.

Laboratory for Molecular Medicine, Mass General Brigham Personalized Medicine
Classification: Likely benign. Last evaluated: 2017-01-27. Review status: criteria provided, single submitter. Criteria: LMM Criteria. Collection method: clinical testing. Allele origin: germline. Observed: 2 variant alleles.
Comment: p.Glu170Lys in exon 4 of MYLK2: This variant is not expected to have clinical si gnificance because it has been identified in 0.7% (69/10226) of African chromoso mes, including 1 homozygote, by the Exome Aggregation Consortium (ExAC; dbSNP rs145656924)

Breakthrough Genomics
Classification: Likely benign. Review status: criteria provided, single submitter. Criteria: ACMG Guidelines, 2015. Collection method: not provided. Allele origin: germline. Inheritance: Autosomal dominant inheritance. Affected: yes.

Clinical Genetics DNA and cytogenetics Diagnostics Lab, Erasmus MC, Erasmus Medical Center
Classification: Likely benign. Review status: no assertion criteria provided. Collection method: clinical testing. Allele origin: germline. Affected: yes. Study: VKGL Data-share Consensus. Not counted in ClinVar's aggregate classification.

Genome Diagnostics Laboratory, University Medical Center Utrecht
Classification: Likely benign. Review status: no assertion criteria provided. Collection method: clinical testing. Allele origin: germline. Affected: yes. Study: VKGL Data-share Consensus. Not counted in ClinVar's aggregate classification.